The following is an entry in ClinVar:

ClinVar aggregate classification (germline): Benign. Review status: criteria provided, multiple submitters, no conflicts (2 of 4 stars). 2 submissions from 2 submitters: Benign (2). Last evaluated 2018-11-07.

Allele frequency attached by ClinVar (database versions not stated): ESP Exome Variant Server 0.06528; TOPMed 0.06585; gnomAD exomes 0.07847; ExAC 0.07989; 1000 Genomes Project 0.09405.

Submissions (2):

GeneDx
Classification: Benign. Last evaluated: 2018-11-07. Review status: criteria provided, single submitter. Criteria: GeneDx Variant Classification Process June 2021. Collection method: clinical testing. Allele origin: germline. Affected: yes.
Comment: This variant is associated with the following publications: (PMID: 17510949)

Breakthrough Genomics
Classification: Benign. Review status: criteria provided, single submitter. Criteria: ACMG Guidelines, 2015. Collection method: not provided. Allele origin: germline. Inheritance: Autosomal recessive inheritance. Affected: yes.

NM_005502.4(ABCA1):c.4593-26G>C

Gene: ABCA1 (ATP binding cassette subfamily A member 1; minus strand). Cytogenetic location: 9q31.1.
Variant type: single nucleotide variant.
Coding change: c.4593-26G>C on transcript NM_005502.4 (MANE Select); 26 bases into the intron before coding-DNA position 4593, G replaced by C.
Molecular consequence: intron variant.
Genome position (GRCh38, 1-based): chr9:104,802,185, C>G on the plus strand (G>C on the coding strand, the complement: ABCA1 is on the minus strand). VCF-style: chr9-104802185-C-G. GRCh37 (hg19) VCF-style: chr9-107564466-C-G.
Identifiers: ClinVar variation 1297172 (VCV001297172.3), dbSNP rs2297404, ClinGen allele CA5168081.